The following is an entry in ClinVar:

NM_005918.4(MDH2):c.982A>C (p.Lys328Gln)

Gene: MDH2 (malate dehydrogenase 2; plus strand). Cytogenetic location: 7q11.23.
Variant type: single nucleotide variant.
Coding change: c.982A>C on transcript NM_005918.4 (MANE Select); coding-DNA position 982, A replaced by C.
Protein change: p.Lys328Gln; replaces lysine 328 with glutamine.
Molecular consequence: missense variant.
Genome position (GRCh38, 1-based): chr7:76,066,375, A>C. VCF-style: chr7-76066375-A-C. GRCh37 (hg19) VCF-style: chr7-75695693-A-C.
Other names: c.856A>C, p.Lys286Gln (NM_001282403.2); c.661A>C, p.Lys221Gln (NM_001282404.2); short protein forms K328Q, K221Q, K286Q.
Identifiers: ClinVar variation 726092 (VCV000726092.28), dbSNP rs144919730, ClinGen allele CA4305786.

ClinVar aggregate classification (germline): Benign/Likely benign. Review status: criteria provided, multiple submitters, no conflicts (2 of 4 stars). 8 submissions from 8 submitters: Benign (3); Likely benign (1). 4 of the submissions do not count toward it. Last evaluated 2026-09-01.

Conditions:
MDH2-related disorder. Also called: MDH2-related condition.

Allele frequency attached by ClinVar (database versions not stated): gnomAD exomes 0.00284 and 0.00133; 1000 Genomes Project 30x 0.00031; 1000 Genomes Project 0.00040; ExAC 0.00218; gnomAD 0.00229 and 0.00242; ESP Exome Variant Server 0.00238; TOPMed 0.00261.

Submissions (8):

CeGaT Center for Human Genetics Tuebingen
Classification: Benign. Last evaluated: 2026-09-01. Review status: criteria provided, single submitter. Criteria: CeGaT Center For Human Genetics Tuebingen Variant Classification Criteria Version 2. Collection method: clinical testing. Allele origin: germline. Affected: yes. Observed: 3 variant alleles.
Comment: MDH2: BS1, BS2

Dasa
Classification: Likely benign. Last evaluated: 2026-02-04. Review status: criteria provided, single submitter. Criteria: DASA Assertion Criteria. Collection method: clinical testing. Allele origin: germline.
Comment: NM_005918.4(MDH2):c.982A>C (p.Lys328Gln) is interpreted based on available population and clinical evidence, including population frequency and no convincing observation in affected individuals. Based on the available data, this variant is classified as likely benign.

Labcorp Genetics (formerly Invitae), Labcorp
Classification: Benign. Last evaluated: 2026-02-03. Review status: criteria provided, single submitter. Criteria: Invitae Variant Classification Sherloc (09022015). Collection method: clinical testing. Allele origin: germline.

Breakthrough Genomics
Classification: Benign. Review status: criteria provided, single submitter. Criteria: ACMG Guidelines, 2015. Collection method: not provided. Allele origin: germline. Inheritance: Autosomal recessive inheritance. Affected: yes.

PreventionGenetics, part of Exact Sciences
Classification: Benign for MDH2-related condition. Last evaluated: 2019-08-12. Review status: no assertion criteria provided. Collection method: clinical testing. Allele origin: germline. Not counted in ClinVar's aggregate classification.
Comment: This variant is classified as benign based on ACMG/AMP sequence variant interpretation guidelines (Richards et al. 2015 PMID: 25741868, with internal and published modifications).

Clinical Genetics DNA and cytogenetics Diagnostics Lab, Erasmus MC, Erasmus Medical Center
Classification: Likely benign. Review status: no assertion criteria provided. Collection method: clinical testing. Allele origin: germline. Affected: yes. Study: VKGL Data-share Consensus. Not counted in ClinVar's aggregate classification.

Genome Diagnostics Laboratory, University Medical Center Utrecht
Classification: Likely benign. Review status: no assertion criteria provided. Collection method: clinical testing. Allele origin: germline. Affected: yes. Study: VKGL Data-share Consensus. Not counted in ClinVar's aggregate classification.

Joint Genome Diagnostic Labs from Nijmegen and Maastricht, Radboudumc and MUMC+
Classification: Likely benign. Review status: no assertion criteria provided. Collection method: clinical testing. Allele origin: germline. Affected: yes. Study: VKGL Data-share Consensus. Not counted in ClinVar's aggregate classification.